The following is an entry in ClinVar:

NM_024652.6(LRRK1):c.1544dup (p.Leu516fs)

Genes: LRRK1 (leucine rich repeat kinase 1; plus strand), LOC125146368 (Sharpr-MPRA regulatory region 13394; plus strand). Cytogenetic location: 15q26.3.
Variant type: Duplication.
Coding change: c.1544dup on transcript NM_024652.6 (MANE Select); coding-DNA position 1544, one base duplicated (G; older notation c.1544dupG).
Protein change: p.Leu516fs; shifts the reading frame from leucine 516.
Molecular consequence: frameshift variant.
Genome position (GRCh38, 1-based): chr15:101,015,337, G duplicated; the last of 2 consecutive G bases (chr15:101,015,336-101,015,337); duplicating either gives the same sequence. VCF-style (leftmost placement, unchanged base first): chr15-101015335-T-TG. GRCh37 (hg19) VCF-style: chr15-101555540-T-TG.
Other names: short protein forms L516fs.
Identifiers: ClinVar variation 4850611 (VCV004850611.1).

ClinVar aggregate classification (germline): Likely pathogenic (1 of 4 stars; one submission).

Conditions:
Osteosclerotic metaphyseal dysplasia (OSMD). Identifiers: Orphanet 500548, MedGen C3554665, MONDO:0014080, OMIM 615198.

Submission:

First Genomix Gene Laboratory, Genetic Diagnostics Department
Classification: Likely pathogenic for Osteosclerotic metaphyseal dysplasia. Last evaluated: 2025-12-28. Review status: criteria provided, single submitter. Criteria: ACMG Guidelines, 2015. Collection method: clinical testing. Allele origin: germline. Inheritance: Autosomal recessive inheritance. Affected: no. Observed: 1 variant allele.